The following is an entry in ClinVar:

ClinVar aggregate classification (germline): Uncertain significance. Review status: criteria provided, multiple submitters, no conflicts (2 of 4 stars). 2 submissions from 2 submitters: Uncertain significance (2). Last evaluated 2024-03-11.

Conditions:
Neuropathy, hereditary sensory, type 2C. Also called: KIF1A-Related HSAN2 (HSAN2C); Hereditary sensory and autonomic neuropathy type IIC. Identifiers: Orphanet 970, MedGen C3280168, MONDO:0013634, OMIM 614213.
Intellectual disability, autosomal dominant 9 (NESCAVS). Also called: KIF1A-Related Neurodevelopmental Disorder; NESCAV SYNDROME. Identifiers: Orphanet 662367, MedGen C5393830, MONDO:0013656, OMIM 614255.
Hereditary spastic paraplegia 30. Identifiers: Orphanet 101010, MedGen C5235139, MONDO:0012476.

Submissions (2):

Labcorp Genetics (formerly Invitae), Labcorp
Classification: Uncertain significance for Hereditary spastic paraplegia 30; Neuropathy, hereditary sensory, type 2C; Intellectual disability, autosomal dominant 9. Last evaluated: 2024-03-11. Review status: criteria provided, single submitter. Criteria: Invitae Variant Classification Sherloc (09022015). Collection method: clinical testing. Allele origin: germline.
Comment: This sequence change replaces proline, which is neutral and non-polar, with serine, which is neutral and polar, at codon 47 of the KIF1A protein (p.Pro47Ser). This variant is not present in population databases (gnomAD no frequency). This variant has not been reported in the literature in individuals affected with KIF1A-related conditions. ClinVar contains an entry for this variant (Variation ID: 1698003). Advanced modeling of protein sequence and biophysical properties (such as structural, functional, and spatial information, amino acid conservation, physicochemical variation, residue mobility, and thermodynamic stability) performed at Invitae indicates that this missense variant is expected to disrupt KIF1A protein function with a positive predictive value of 95%. In summary, the available evidence is currently insufficient to determine the role of this variant in disease. Therefore, it has been classified as a Variant of Uncertain Significance.

GeneDx
Classification: Uncertain significance. Last evaluated: 2022-09-21. Review status: criteria provided, single submitter. Criteria: GeneDx Variant Classification Process June 2021. Collection method: clinical testing. Allele origin: germline.
Comment: Not observed at significant frequency in large population cohorts (gnomAD); In silico analysis supports that this missense variant has a deleterious effect on protein structure/function; Has not been previously published as pathogenic or benign to our knowledge; This variant is associated with the following publications: (PMID: 26125038, 21820098, 21376300)

NM_001244008.2(KIF1A):c.139C>T (p.Pro47Ser)

Gene: KIF1A (kinesin family member 1A; minus strand). Cytogenetic location: 2q37.3.
Variant type: single nucleotide variant.
Coding change: c.139C>T on transcript NM_001244008.2 (MANE Select); coding-DNA position 139, C replaced by T.
Protein change: p.Pro47Ser; replaces proline 47 with serine.
Molecular consequence: missense variant.
Genome position (GRCh38, 1-based): chr2:240,789,280, G>A on the plus strand (C>T on the coding strand, the complement: KIF1A is on the minus strand). VCF-style: chr2-240789280-G-A. GRCh37 (hg19) VCF-style: chr2-241728697-G-A.
Other names: c.139C>T, p.Pro47Ser (NM_001320705.2, NM_001330289.2, NM_001330290.2 and 20 more transcripts); short protein forms P47S.
Identifiers: ClinVar variation 1698003 (VCV001698003.5), dbSNP rs2126098676, ClinGen allele CA351311771.
Genomic context (GRCh38, chr2:240,789,280, plus strand): 5'-CGGGGTCCCGGCTTACTGAGGTGTGCGACCAGTAGGAGTAGTCAAAGCTGAAGCTTTTGG[G>A]CGTCTCCTTGGGCTGTTTGGGGTTAACAATGGCTGTGGGAGGGAACACAGGTGGTTAGCG-3'
Protein context (NP_001230937.1, residues 37-57): IVNPKQPKET[Pro47Ser]KSFSFDYSYW